The following is an entry in ClinVar:

ClinVar aggregate classification (germline): Uncertain significance (1 of 4 stars; one submission).

Conditions:
Early-infantile DEE. Also called: Early infantile epileptic encephalopathy with suppression bursts; Early infantile epileptic encephalopathy; Ohtahara syndrome. Identifiers: Orphanet 1934, MedGen C0393706, MONDO:0800491.

Submission:

Labcorp Genetics (formerly Invitae), Labcorp
Classification: Uncertain significance for Early-infantile DEE. Last evaluated: 2025-05-27. Review status: criteria provided, single submitter. Criteria: Invitae Variant Classification Sherloc (09022015). Collection method: clinical testing. Allele origin: germline.
Comment: This sequence change replaces threonine, which is neutral and polar, with isoleucine, which is neutral and non-polar, at codon 780 of the HCN1 protein (p.Thr780Ile). This variant is not present in population databases (gnomAD no frequency). This variant has not been reported in the literature in individuals affected with HCN1-related conditions. ClinVar contains an entry for this variant (Variation ID: 1721413). Invitae Evidence Modeling of protein sequence and biophysical properties (such as structural, functional, and spatial information, amino acid conservation, physicochemical variation, residue mobility, and thermodynamic stability) indicates that this missense variant is not expected to disrupt HCN1 protein function with a negative predictive value of 95%. In summary, the available evidence is currently insufficient to determine the role of this variant in disease. Therefore, it has been classified as a Variant of Uncertain Significance.

NM_021072.4(HCN1):c.2339C>T (p.Thr780Ile)

Gene: HCN1 (hyperpolarization activated cyclic nucleotide gated potassium channel 1; minus strand). Cytogenetic location: 5p12.
Variant type: single nucleotide variant.
Coding change: c.2339C>T on transcript NM_021072.4 (MANE Select); coding-DNA position 2339, C replaced by T.
Protein change: p.Thr780Ile; replaces threonine 780 with isoleucine.
Molecular consequence: missense variant.
Genome position (GRCh38, 1-based): chr5:45,262,255, G>A on the plus strand (C>T on the coding strand, the complement: HCN1 is on the minus strand). VCF-style: chr5-45262255-G-A. GRCh37 (hg19) VCF-style: chr5-45262357-G-A.
Other names: short protein forms T780I.
Identifiers: ClinVar variation 1721413 (VCV001721413.5), dbSNP rs2478181744, ClinGen allele CA359703534.